The following is an entry in ClinVar:

ClinVar aggregate classification (germline): Pathogenic. Review status: reviewed by expert panel (3 of 4 stars). 15 submissions from 15 submitters: Pathogenic (1). 14 of the submissions do not count toward it. Last evaluated 2024-06-28.

Conditions:
Retinal dystrophy. Also called: Inherited retinal dystrophy. Identifiers: Orphanet 71862, MedGen C0854723, MeSH D058499, MONDO:0019118, HP:0000556.
Retinal degeneration. Identifiers: MedGen C0035304, MeSH D012162, MONDO:0004580, HP:0000546.
Usher syndrome. Also called: Usher Syndromes; Usher's syndrome. Identifiers: Orphanet 886, MedGen CN469326, MeSH D052245, MONDO:0019501. Disease mechanism: loss of function.
USH2A-related disorder. Also called: USH2A-related condition; USH2A-related disorders. Identifiers: MedGen CN239332.
Usher syndrome type 2A. Also called: USHER SYNDROME, TYPE IIA; RETINAL DISEASE IN USHER SYNDROME TYPE IIA, MODIFIER OF. Identifiers: Orphanet 231178, Orphanet 886, MedGen C1848634, MONDO:0010169, OMIM 276901.
Retinitis pigmentosa 39 (RP39). Identifiers: Orphanet 791, MedGen C3151138, MONDO:0013436, OMIM 613809.
Retinitis pigmentosa (RP). Identifiers: Orphanet 791, MedGen C0035334, MeSH D012174, MONDO:0019200, OMIM 268000. Inheritance: Autosomal dominant, autosomal recessive and X linked inheritance.

Allele frequency attached by ClinVar (database versions not stated): ExAC 0.00004; gnomAD exomes 0.00004; TOPMed 0.00005; gnomAD 0.00006; 1000 Genomes Project 30x 0.00016; 1000 Genomes Project 0.00020.
gnomAD v4.1: 77 of 1,614,048 alleles (0.0048%); highest among the groups gnomAD compares: Non-Finnish European, 0.0061%; no homozygotes.

Submissions 1 to 10 of 15:

ClinGen Hearing Loss Variant Curation Expert Panel
Classification: Pathogenic for Usher syndrome. Last evaluated: 2024-06-28. Review status: reviewed by expert panel. Criteria: Clingen Hl Acmg Specifications Cdh23 Coch Gjb2 Kcnq4 Myo6 Myo7a Slc26a4 Tecta Ush2a V2. Collection method: curation. Allele origin: germline. Inheritance: Autosomal recessive inheritance.
Comment: The c.14219C>A (p.Ala4740Asp) variant in USH2A is a missense variant predicted to cause a substitution of alanine by aspartic acid at amino acid 4740. The highest population minor allele frequency in gnomAD v4.0.0 is 0.006102% (72/1180006) in the European (Non-Finish) population, which is lower than the ClinGen Hearing Loss VCEP threshold (≤0.00007) for PM2_Supporting, meeting this criterion (PM2_Supporting). The computational predictor REVEL gives a score of 0.309, which is neither above nor below the thresholds predicting a damaging or benign impact on USH2A function. This variant has been detected in at least 2 individuals with Usher syndrome, and in at least 5 individuals with Retinitis Pigmentosa (RP) (4 PM3 pts). The two individuals with Usher syndrome were compound heterozygous for the variant and a pathogenic or likely pathogenic variant with phase unknown (p.Arg737*, p.Ser1849fs; PMIDs: 33576794, 38465142). At least one patient with this variant displayed retinitis pigmentosa and sensorineural bilateral hearing loss, which is highly specific for Usher syndrome (PP4, PMID: 33576794). Of the individuals with RP, four individuals were compound heterozygous for the variant and a pathogenic or likely pathogenic variant with phase unknown (p.Ser1849fs, p.Arg737*, c.7595-2144A>G, p.Arg4192Cys; PMIDs: 30718709, 34781295, 32531858). One individual was compound heterozygous and confirmed in trans by parental testing for the variant and a pathogenic or likely pathogenic variant (p.Arg1653*; PMIDs: 34781295) (PM3_VeryStrong). Patients with this variant may present with either autosomal recessive (AR) Usher syndrome or with AR isolated RP. Isolated RP presentations are more common when the variant is seen with missense variants while Usher syndrome is more common when it is found with truncating variants. In summary, this variant meets the criteria to be classified as pathogenic for autosomal recessive Usher syndrome, based on the ACMG/AMP criteria applied, as specified by the ClinGen Hearing Loss VCEP (PM2_Supporting, PM3_VeryStrong, PP4; Version 2; 4/17/24).

PreventionGenetics, part of Exact Sciences
Classification: Pathogenic for USH2A-related condition. Last evaluated: 2026-09-24. Review status: criteria provided, single submitter. Criteria: ACMG Guidelines, 2015. Collection method: clinical testing. Allele origin: germline. Not counted in ClinVar's aggregate classification.
Comment: The USH2A c.14219C>A variant is predicted to result in the amino acid substitution p.Ala4740Asp. This variant has been reported in multiple individuals with hearing loss, Usher syndrome or retinitis pigmentosa (see for examples: Licastro et al. 2012. PubMed ID: 22952768; table S1, Lin et al. 2024. PubMed ID: 38219857; supplementary data, Weisschuh et al. 2020. PubMed ID: 32531858; supplementary data, Zampaglione et al. 2020. PubMed ID: 32037395). It has been evaluated by the ClinGen Hearing Loss Variant Curation Expert Panel to be pathogenic (Variation ID: 429215). This variant is reported in 0.0093% of alleles in individuals of European (Non-Finnish) descent in gnomAD. This variant is interpreted as pathogenic.

Labcorp Genetics (formerly Invitae), Labcorp
Classification: Pathogenic. Last evaluated: 2026-02-02. Review status: criteria provided, single submitter. Criteria: Invitae Variant Classification Sherloc (09022015). Collection method: clinical testing. Allele origin: germline. Not counted in ClinVar's aggregate classification.
Comment: This sequence change replaces alanine, which is neutral and non-polar, with aspartic acid, which is acidic and polar, at codon 4740 of the USH2A protein (p.Ala4740Asp). This variant is present in population databases (rs539192853, gnomAD 0.008%). This missense change has been observed in individual(s) with Usher syndrome or retinal disease (PMID: 22952768, 25649381, 28559085, 30718709; internal data). In at least one individual the data is consistent with being in trans (on the opposite chromosome) from a pathogenic variant. ClinVar contains an entry for this variant (Variation ID: 429215). Invitae Evidence Modeling of protein sequence and biophysical properties (such as structural, functional, and spatial information, amino acid conservation, physicochemical variation, residue mobility, and thermodynamic stability) has been performed for this missense variant. However, the output from this modeling did not meet the statistical confidence thresholds required to predict the impact of this variant on USH2A protein function. For these reasons, this variant has been classified as Pathogenic.

GeneDx
Classification: Likely pathogenic. Last evaluated: 2025-12-10. Review status: criteria provided, single submitter. Criteria: GeneDx Variant Classification Process June 2021. Collection method: clinical testing. Allele origin: germline. Affected: yes. Not counted in ClinVar's aggregate classification.
Comment: In silico analysis supports that this missense variant has a deleterious effect on protein structure/function; This variant is associated with the following publications: (PMID: 23591405, 28559085, 33576794, 22952768, 30718709, 25649381, 32531858, 32037395, 34781295, 36284670, 40570190, 39161163, 38219857, 38465142, 37217489, 36460718)

CeGaT Center for Human Genetics Tuebingen
Classification: Likely pathogenic. Last evaluated: 2025-11-01. Review status: criteria provided, single submitter. Criteria: CeGaT Center For Human Genetics Tuebingen Variant Classification Criteria Version 2. Collection method: clinical testing. Allele origin: germline. Affected: yes. Observed: 4 variant alleles. Not counted in ClinVar's aggregate classification.
Comment: USH2A: PM3:Very Strong, PM2, BP4

Natera, Inc.
Classification: Likely pathogenic for Usher syndrome type 2A. Last evaluated: 2025-09-30. Review status: criteria provided, single submitter. Criteria: Natera Variant Classification Schema (03/2026). Collection method: clinical testing. Allele origin: germline. Not counted in ClinVar's aggregate classification.
Comment: The c.14219C>A variant in USH2A is a missense variant predicted to cause substitution of alanine to aspartic acid at amino acid 4740. This variant is rare in the general population with a frequency below the threshold expected for the associated phenotype(s). This variant has been observed in one or more individuals affected with the associated recessive disease, as either homozygous or compound heterozygous with a second variant (PMID: 34781295, 32037395, 32531858, 38465142, 39462066, 39394491, 38219857). Computational prediction algorithms indicate this variant is likely to affect gene or protein function. Given the available evidence, this variant is classified as Likely Pathogenic.

3billion
Classification: Pathogenic for Retinitis pigmentosa 39. Last evaluated: 2025-04-09. Review status: criteria provided, single submitter. Criteria: ACMG Guidelines, 2015. Collection method: clinical testing. Allele origin: germline. Affected: yes. Not counted in ClinVar's aggregate classification.
Comment: The variant is observed at an extremely low frequency in the gnomAD v4.1.0 dataset (total allele frequency: 0.005%). Predicted Consequence/Location: Missense variant. The majority of the known disease-causing variants of this gene are variants expected to result in premature termination of the protein. In silico tool predictions suggest no damaging effect of the variant on gene or gene product [REVEL: 0.31 (<0.4); 3Cnet: 0.01 (<0.1, specificity 0.84 and negative predicitive value 0.97)]. The same nucleotide change resulting in the same amino acid change has been previously reported as pathogenic/likely pathogenic with strong evidence (ClinVar ID: VCV000429215). The variant has been reported to be in trans with a pathogenic variant as either compound heterozygous or homozygous in at least 2 similarly affected unrelated individuals (PMID: 33576794, 34781295, 38465142). Therefore, this variant is classified as Pathogenic according to the recommendation of ACMG/AMP guideline.

Blueprint Genetics
Classification: Pathogenic for USH2A-related disorders. Last evaluated: 2024-06-27. Review status: criteria provided, single submitter. Criteria: ACMG Guidelines, 2015. Collection method: clinical testing. Allele origin: germline. Affected: yes. Observed: 5 variant alleles. Not counted in ClinVar's aggregate classification.

Baylor Genetics
Classification: Likely pathogenic for Retinitis pigmentosa 39. Last evaluated: 2024-03-27. Review status: criteria provided, single submitter. Criteria: ACMG Guidelines, 2015. Collection method: clinical testing. Allele origin: unknown. Not counted in ClinVar's aggregate classification.

Fulgent Genetics
Classification: Likely pathogenic for Usher syndrome type 2A; Retinitis pigmentosa 39. Last evaluated: 2024-03-14. Review status: criteria provided, single submitter. Criteria: ACMG Guidelines, 2015. Collection method: clinical testing. Allele origin: germline. Not counted in ClinVar's aggregate classification.

NM_206933.4(USH2A):c.14219C>A (p.Ala4740Asp)

Gene: USH2A (usherin; minus strand). Cytogenetic location: 1q41.
Variant type: single nucleotide variant.
Coding change: c.14219C>A on transcript NM_206933.4 (MANE Select); coding-DNA position 14219, C replaced by A.
Protein change: p.Ala4740Asp; replaces alanine 4740 with aspartic acid.
Molecular consequence: missense variant.
Genome position (GRCh38, 1-based): chr1:215,650,716, G>T on the plus strand (C>A on the coding strand, the complement: USH2A is on the minus strand). VCF-style: chr1-215650716-G-T. GRCh37 (hg19) VCF-style: chr1-215824058-G-T.
Other names: c.14219C>A (NM_206933.3); short protein forms A4740D.
Identifiers: ClinVar variation 429215 (VCV000429215.69), dbSNP rs539192853, ClinGen allele CA1393090.